The following is an entry in ClinVar:

ClinVar aggregate classification (germline): Uncertain significance (1 of 4 stars; one submission).

Allele frequency attached by ClinVar (database versions not stated): ExAC 0.00001; gnomAD exomes 0.00002; gnomAD 0.00003; TOPMed 0.00005; ESP Exome Variant Server 0.00008.
gnomAD v4.1: 30 of 1,614,112 alleles (0.0019%); highest among the groups gnomAD compares: African/African-American, 0.0093%; no homozygotes.

Submission:

Labcorp Genetics (formerly Invitae), Labcorp
Classification: Uncertain significance. Last evaluated: 2022-07-01. Review status: criteria provided, single submitter. Criteria: Invitae Variant Classification Sherloc (09022015). Collection method: clinical testing. Allele origin: germline.
Comment: In summary, the available evidence is currently insufficient to determine the role of this variant in disease. Therefore, it has been classified as a Variant of Uncertain Significance. Experimental studies and prediction algorithms are not available or were not evaluated, and the functional significance of this variant is currently unknown. This variant has not been reported in the literature in individuals affected with ARMC9-related conditions. This variant is present in population databases (rs149062293, gnomAD 0.02%). This sequence change replaces asparagine, which is neutral and polar, with serine, which is neutral and polar, at codon 240 of the ARMC9 protein (p.Asn240Ser).

NM_001352754.2(ARMC9):c.719A>G (p.Asn240Ser)

Gene: ARMC9 (armadillo repeat containing 9; plus strand). Cytogenetic location: 2q37.1.
Variant type: single nucleotide variant.
Coding change: c.719A>G on transcript NM_001352754.2 (MANE Select); coding-DNA position 719, A replaced by G.
Protein change: p.Asn240Ser; replaces asparagine 240 with serine.
Molecular consequence: missense variant. On other transcripts: non-coding transcript variant (1).
Genome position (GRCh38, 1-based): chr2:231,235,320, A>G. VCF-style: chr2-231235320-A-G. GRCh37 (hg19) VCF-style: chr2-232100033-A-G.
Other names: c.719A>G, p.Asn240Ser (NM_001271466.4, NM_001291656.2, NM_001352755.2 and 5 more transcripts); short protein forms N240S.
Identifiers: ClinVar variation 2038919 (VCV002038919.2), dbSNP rs149062293, ClinGen allele CA2160026.